The following is an entry in ClinVar:

ClinVar aggregate classification (germline): Uncertain significance (1 of 4 stars; one submission).

Conditions:
Hereditary nonpolyposis colorectal neoplasms. Identifiers: MedGen C0009405, MeSH D003123.

Submission:

Labcorp Genetics (formerly Invitae), Labcorp
Classification: Uncertain significance for Hereditary nonpolyposis colorectal neoplasms. Last evaluated: 2022-04-20. Review status: criteria provided, single submitter. Criteria: Invitae Variant Classification Sherloc (09022015). Collection method: clinical testing. Allele origin: germline.
Comment: This sequence change replaces valine, which is neutral and non-polar, with glycine, which is neutral and non-polar, at codon 1232 of the MSH6 protein (p.Val1232Gly). This variant is not present in population databases (gnomAD no frequency). This variant has not been reported in the literature in individuals affected with MSH6-related conditions. Advanced modeling of protein sequence and biophysical properties (such as structural, functional, and spatial information, amino acid conservation, physicochemical variation, residue mobility, and thermodynamic stability) performed at Invitae indicates that this missense variant is expected to disrupt MSH6 protein function. In summary, the available evidence is currently insufficient to determine the role of this variant in disease. Therefore, it has been classified as a Variant of Uncertain Significance.

NM_000179.3(MSH6):c.3695T>G (p.Val1232Gly)

Gene: MSH6 (mutS homolog 6; plus strand). Cytogenetic location: 2p16.3.
Variant type: single nucleotide variant.
Coding change: c.3695T>G on transcript NM_000179.3 (MANE Select); coding-DNA position 3695, T replaced by G.
Protein change: p.Val1232Gly; replaces valine 1232 with glycine.
Molecular consequence: missense variant.
Genome position (GRCh38, 1-based): chr2:47,806,252, T>G. VCF-style: chr2-47806252-T-G. GRCh37 (hg19) VCF-style: chr2-48033391-T-G.
Other names: c.3305T>G, p.Val1102Gly (NM_001281492.2); c.2789T>G, p.Val930Gly (NM_001281493.2, NM_001281494.2, NM_001406815.1 and 6 more transcripts); c.3791T>G, p.Val1264Gly (NM_001406795.1, NM_001406802.1); c.3695T>G, p.Val1232Gly (NM_001406796.1, NM_001406800.1, NM_001406808.1 and 1 more transcripts); c.3398T>G, p.Val1133Gly (NM_001406797.1, NM_001406801.1, NM_001406818.1 and 10 more transcripts); c.3521T>G, p.Val1174Gly (NM_001406798.1); c.3170T>G, p.Val1057Gly (NM_001406799.1, NM_001406806.1, NM_001406807.1); c.2831T>G, p.Val944Gly (NM_001406803.1); and 7 more; short protein forms V1057G, V1174G, V1102G, V1206G, V1232G, V710G, V1133G, V181G.
Identifiers: ClinVar variation 2128027 (VCV002128027.4), dbSNP rs786202887, ClinGen allele CA346760969.